The following is an entry in ClinVar:

NM_000075.4(CDK4):c.611T>C (p.Phe204Ser)

Gene: CDK4 (cyclin dependent kinase 4; minus strand). Cytogenetic location: 12q14.1.
Variant type: single nucleotide variant.
Coding change: c.611T>C on transcript NM_000075.4 (MANE Select); coding-DNA position 611, T replaced by C.
Protein change: p.Phe204Ser; replaces phenylalanine 204 with serine.
Molecular consequence: missense variant.
Genome position (GRCh38, 1-based): chr12:57,750,677, A>G on the plus strand (T>C on the coding strand, the complement: CDK4 is on the minus strand). VCF-style: chr12-57750677-A-G. GRCh37 (hg19) VCF-style: chr12-58144460-A-G.
Other names: short protein forms F204S.
Identifiers: ClinVar variation 1985888 (VCV001985888.7), dbSNP rs2140385647, ClinGen allele CA385545617.

ClinVar aggregate classification (germline): Uncertain significance. Review status: criteria provided, multiple submitters, no conflicts (2 of 4 stars). 3 submissions from 3 submitters: Uncertain significance (3). Last evaluated 2025-10-12.

Conditions:
Familial melanoma. Also called: Hereditary melanoma; Hereditary cutaneous melanoma. Identifiers: Orphanet 618, MedGen C1512419, MONDO:0018961.
Hereditary cancer-predisposing syndrome. Also called: Tumor predisposition; Hereditary neoplastic syndrome; Neoplastic Syndromes, Hereditary; Hereditary Cancer Syndrome. Identifiers: Orphanet 140162, MedGen C0027672, MeSH D009386, MONDO:0015356.
Melanoma, cutaneous malignant, susceptibility to, 3. Also called: Cutaneous malignant melanoma 3. Identifiers: Orphanet 618, MedGen C1836892, MONDO:0012183, OMIM 609048.

gnomAD v4.1: 1 of 1,613,706 alleles (0.000062%); no homozygotes.

Submissions (3):

Ambry Genetics
Classification: Uncertain significance for Hereditary cancer-predisposing syndrome. Last evaluated: 2025-10-12. Review status: criteria provided, single submitter. Criteria: Ambry Variant Classification Scheme 2023. Collection method: clinical testing. Allele origin: germline.
Comment: The p.F204S variant (also known as c.611T>C), located in coding exon 4 of the CDK4 gene, results from a T to C substitution at nucleotide position 611. The phenylalanine at codon 204 is replaced by serine, an amino acid with highly dissimilar properties. This amino acid position is conserved. In addition, this alteration is predicted to be deleterious by in silico analysis. Since supporting evidence is limited at this time, the clinical significance of this alteration remains unclear.

Fulgent Genetics
Classification: Uncertain significance for Melanoma, cutaneous malignant, susceptibility to, 3. Last evaluated: 2024-06-15. Review status: criteria provided, single submitter. Criteria: ACMG Guidelines, 2015. Collection method: clinical testing. Allele origin: germline.

Labcorp Genetics (formerly Invitae), Labcorp
Classification: Uncertain significance for Familial melanoma. Last evaluated: 2023-04-06. Review status: criteria provided, single submitter. Criteria: Invitae Variant Classification Sherloc (09022015). Collection method: clinical testing. Allele origin: germline.
Comment: This variant is not present in population databases (gnomAD no frequency). This sequence change replaces phenylalanine, which is neutral and non-polar, with serine, which is neutral and polar, at codon 204 of the CDK4 protein (p.Phe204Ser). This variant has not been reported in the literature in individuals affected with CDK4-related conditions. ClinVar contains an entry for this variant (Variation ID: 1985888). Advanced modeling of protein sequence and biophysical properties (such as structural, functional, and spatial information, amino acid conservation, physicochemical variation, residue mobility, and thermodynamic stability) performed at Invitae indicates that this missense variant is expected to disrupt CDK4 protein function. In summary, the available evidence is currently insufficient to determine the role of this variant in disease. Therefore, it has been classified as a Variant of Uncertain Significance.